The following is an entry in ClinVar:

ClinVar aggregate classification (germline): Uncertain significance (1 of 4 stars; one submission).

Conditions:
Ehlers-Danlos syndrome, classic type, 1 (EDSCL1). Also called: EHLERS-DANLOS SYNDROME, GRAVIS TYPE; EHLERS-DANLOS SYNDROME, SEVERE CLASSIC TYPE; Ehlers-Danlos syndrome, type 1; EDS I; Ehlers-Danlos Syndrome, Classic Type, COL5A1-Related. Identifiers: MedGen C0268335, MONDO:0019567, OMIM 130000.

Allele frequency attached by ClinVar (database versions not stated): TOPMed below 0.00001; gnomAD exomes below 0.00001.
gnomAD v4.1: 1 of 1,613,502 alleles (0.000062%); highest among the groups gnomAD compares: Non-Finnish European, 0.000085%; no homozygotes.

Submission:

Labcorp Genetics (formerly Invitae), Labcorp
Classification: Uncertain significance for Ehlers-Danlos syndrome, classic type, 1. Last evaluated: 2022-05-07. Review status: criteria provided, single submitter. Criteria: Invitae Variant Classification Sherloc (09022015). Collection method: clinical testing. Allele origin: germline.
Comment: In summary, the available evidence is currently insufficient to determine the role of this variant in disease. Therefore, it has been classified as a Variant of Uncertain Significance. Advanced modeling of protein sequence and biophysical properties (such as structural, functional, and spatial information, amino acid conservation, physicochemical variation, residue mobility, and thermodynamic stability) performed at Invitae indicates that this missense variant is not expected to disrupt COL5A1 protein function. This variant has not been reported in the literature in individuals affected with COL5A1-related conditions. This variant is not present in population databases (gnomAD no frequency). This sequence change replaces glutamine, which is neutral and polar, with histidine, which is basic and polar, at codon 1190 of the COL5A1 protein (p.Gln1190His).

NM_000093.5(COL5A1):c.3570G>T (p.Gln1190His)

Gene: COL5A1 (collagen type V alpha 1 chain; plus strand). Cytogenetic location: 9q34.3.
Variant type: single nucleotide variant.
Coding change: c.3570G>T on transcript NM_000093.5 (MANE Select); coding-DNA position 3570, G replaced by T.
Protein change: p.Gln1190His; replaces glutamine 1190 with histidine.
Molecular consequence: missense variant.
Genome position (GRCh38, 1-based): chr9:134,811,380, G>T. VCF-style: chr9-134811380-G-T. GRCh37 (hg19) VCF-style: chr9-137703226-G-T.
Other names: c.3570G>T, p.Gln1190His (NM_001278074.1); short protein forms Q1190H.
Identifiers: ClinVar variation 2037228 (VCV002037228.4), dbSNP rs1838517492, ClinGen allele CA375453892.